The following is an entry in ClinVar:

ClinVar aggregate classification (germline): Pathogenic (1 of 4 stars; one submission).

Conditions:
Primary ciliary dyskinesia. Also called: Ciliary dyskinesia. Identifiers: Orphanet 244, MedGen C0008780, MONDO:0016575, HP:0012265.

Submission:

Labcorp Genetics (formerly Invitae), Labcorp
Classification: Pathogenic for Primary ciliary dyskinesia. Last evaluated: 2023-10-22. Review status: criteria provided, single submitter. Criteria: Invitae Variant Classification Sherloc (09022015). Collection method: clinical testing. Allele origin: germline.
Comment: This sequence change creates a premature translational stop signal (p.Cys4434Leufs*4) in the DNAH5 gene. It is expected to result in an absent or disrupted protein product. Loss-of-function variants in DNAH5 are known to be pathogenic (PMID: 11788826, 16627867). This variant is not present in population databases (gnomAD no frequency). This variant has not been reported in the literature in individuals affected with DNAH5-related conditions. For these reasons, this variant has been classified as Pathogenic.

Literature cited by the submitters: PubMed 11788826; PubMed 16627867.

NM_001369.3(DNAH5):c.13300dup (p.Cys4434fs)

Gene: DNAH5 (dynein axonemal heavy chain 5; minus strand). Cytogenetic location: 5p15.2.
Variant type: Duplication.
Coding change: c.13300dup on transcript NM_001369.3 (MANE Select); coding-DNA position 13300, one base duplicated (T; older notation c.13300dupT).
Protein change: p.Cys4434fs; shifts the reading frame from cysteine 4434.
Molecular consequence: frameshift variant.
Genome position (GRCh38, 1-based): chr5:13,708,161, A duplicated on the plus strand (T on the coding strand, the reverse complement: DNAH5 is on the minus strand); the first of 2 consecutive A bases (chr5:13,708,161-13,708,162); duplicating either gives the same sequence. VCF-style (leftmost placement, unchanged base first): chr5-13708160-C-CA. GRCh37 (hg19) VCF-style: chr5-13708269-C-CA.
Other names: short protein forms C4434fs.
Identifiers: ClinVar variation 2771094 (VCV002771094.3), dbSNP rs2546487040, ClinGen allele CA2697547017.